The following is an entry in ClinVar:

NM_025132.4(WDR19):c.2435C>G (p.Ala812Gly)

Gene: WDR19 (WD repeat domain 19; plus strand). Cytogenetic location: 4p14.
Variant type: single nucleotide variant.
Coding change: c.2435C>G on transcript NM_025132.4 (MANE Select); coding-DNA position 2435, C replaced by G.
Protein change: p.Ala812Gly; replaces alanine 812 with glycine.
Molecular consequence: missense variant.
Genome position (GRCh38, 1-based): chr4:39,244,261, C>G. VCF-style: chr4-39244261-C-G. GRCh37 (hg19) VCF-style: chr4-39245881-C-G.
Other names: c.1955C>G, p.Ala652Gly (NM_001317924.2); short protein forms A812G, A652G.
Identifiers: ClinVar variation 2928541 (VCV002928541.3), dbSNP rs1732269215, ClinGen allele CA356637268.

ClinVar aggregate classification (germline): Uncertain significance (1 of 4 stars; one submission).

Conditions:
Senior-Loken syndrome 8 (SLSN8). Identifiers: Orphanet 3156, MedGen C4225376, MONDO:0014579, OMIM 616307.
Asphyxiating thoracic dystrophy 5 (SRTD5). Also called: SHORT-RIB THORACIC DYSPLASIA 5 WITH OR WITHOUT POLYDACTYLY; SHORT-RIB THORACIC DYSPLASIA 5 WITHOUT POLYDACTYLY. Identifiers: Orphanet 474, MedGen C3280598, MONDO:0013717, OMIM 614376.

Allele frequency attached by ClinVar (database versions not stated): gnomAD exomes below 0.00001.

Submission:

Labcorp Genetics (formerly Invitae), Labcorp
Classification: Uncertain significance for Senior-Loken syndrome 8; Asphyxiating thoracic dystrophy 5. Last evaluated: 2022-12-09. Review status: criteria provided, single submitter. Criteria: Invitae Variant Classification Sherloc (09022015). Collection method: clinical testing. Allele origin: germline.
Comment: In summary, the available evidence is currently insufficient to determine the role of this variant in disease. Therefore, it has been classified as a Variant of Uncertain Significance. Advanced modeling of protein sequence and biophysical properties (such as structural, functional, and spatial information, amino acid conservation, physicochemical variation, residue mobility, and thermodynamic stability) performed at Invitae indicates that this missense variant is not expected to disrupt WDR19 protein function. This variant has not been reported in the literature in individuals affected with WDR19-related conditions. This variant is not present in population databases (gnomAD no frequency). This sequence change replaces alanine, which is neutral and non-polar, with glycine, which is neutral and non-polar, at codon 812 of the WDR19 protein (p.Ala812Gly).